The following is an entry in ClinVar:

ClinVar aggregate classification (germline): Conflicting classifications of pathogenicity. Review status: criteria provided, conflicting classifications (1 of 4 stars). 3 submissions from 3 submitters: Uncertain significance (1); Likely benign (2). Last evaluated 2024-10-21.

Conditions:
Familial thoracic aortic aneurysm and aortic dissection (TAAD). Also called: Thoracic aortic aneurysms and dissections. Identifiers: Orphanet 91387, MedGen C4707243, MONDO:0019625.
Hereditary cancer-predisposing syndrome. Also called: Hereditary neoplastic syndrome; Tumor predisposition; Neoplastic Syndromes, Hereditary; Hereditary Cancer Syndrome. Identifiers: Orphanet 140162, MedGen C0027672, MeSH D009386, MONDO:0015356.
Juvenile polyposis syndrome (JPS). Identifiers: Orphanet 2929, MedGen C0345893, MONDO:0017380, OMIM 174900.

Allele frequency attached by ClinVar (database versions not stated): gnomAD exomes 0.00001; ExAC 0.00002.

Submissions (3):

Ambry Genetics
Classification: Likely benign for Hereditary cancer-predisposing syndrome; Familial thoracic aortic aneurysm and aortic dissection. Last evaluated: 2024-10-21. Review status: criteria provided, single submitter. Criteria: Ambry Variant Classification Scheme 2023. Collection method: clinical testing. Allele origin: germline.

Labcorp Genetics (formerly Invitae), Labcorp
Classification: Uncertain significance for Juvenile polyposis syndrome. Last evaluated: 2024-02-29. Review status: criteria provided, single submitter. Criteria: Invitae Variant Classification Sherloc (09022015). Collection method: clinical testing. Allele origin: germline.
Comment: This sequence change affects codon 301 of the SMAD4 mRNA. It is a 'silent' change, meaning that it does not change the encoded amino acid sequence of the SMAD4 protein. It affects a nucleotide within the consensus splice site. This variant is present in population databases (rs746084369, gnomAD 0.007%). This variant has not been reported in the literature in individuals affected with SMAD4-related conditions. ClinVar contains an entry for this variant (Variation ID: 859090). Algorithms developed to predict the effect of sequence changes on RNA splicing suggest that this variant is not likely to affect RNA splicing. In summary, the available evidence is currently insufficient to determine the role of this variant in disease. Therefore, it has been classified as a Variant of Uncertain Significance.

Color Diagnostics, LLC DBA Color Health
Classification: Likely benign for Hereditary cancer-predisposing syndrome. Last evaluated: 2021-12-14. Review status: criteria provided, single submitter. Criteria: ACMG Guidelines, 2015. Collection method: clinical testing. Allele origin: germline.

NM_005359.6(SMAD4):c.903C>T (p.Tyr301=)

Gene: SMAD4 (SMAD family member 4; plus strand). Cytogenetic location: 18q21.2.
Variant type: single nucleotide variant.
Coding change: c.903C>T on transcript NM_005359.6 (MANE Select); coding-DNA position 903, C replaced by T.
Protein change: p.Tyr301=; no amino-acid change (tyrosine 301 retained).
Molecular consequence: synonymous variant.
Genome position (GRCh38, 1-based): chr18:51,058,455, C>T. VCF-style: chr18-51058455-C-T. GRCh37 (hg19) VCF-style: chr18-48584825-C-T.
Identifiers: ClinVar variation 859090 (VCV000859090.12), dbSNP rs746084369, ClinGen allele CA8965919.
Genomic context (GRCh38, chr18:51,058,455, plus strand): 5'-TCACCACCAAAACGGCCATCTTCAGCACCACCCGCCTATGCCGCCCCATCCCGGACATTA[C>T]TGTAAGCTCTTGTTTTTGTTGTAAGGGCTATTTTTTTTTTTTTTTTGGTAGGGCTTTGTT-3'
Protein context (NP_005350.1, residues 291-311): HPPMPPHPGH[Tyr301=]WPVHNELAFQ